The following is an entry in ClinVar:

NM_001371928.1(AHDC1):c.212C>T (p.Thr71Ile)

Gene: AHDC1 (AT-hook DNA binding motif containing 1; minus strand). Cytogenetic location: 1p36.11.
Variant type: single nucleotide variant.
Coding change: c.212C>T on transcript NM_001371928.1 (MANE Select); coding-DNA position 212, C replaced by T.
Protein change: p.Thr71Ile; replaces threonine 71 with isoleucine.
Molecular consequence: missense variant.
Genome position (GRCh38, 1-based): chr1:27,551,904, G>A on the plus strand (C>T on the coding strand, the complement: AHDC1 is on the minus strand). VCF-style: chr1-27551904-G-A. GRCh37 (hg19) VCF-style: chr1-27878415-G-A.
Other names: c.212C>T (NM_001029882.2); c.212C>T, p.Thr71Ile (NM_001029882.3); short protein forms T71I.
Identifiers: ClinVar variation 377378 (VCV000377378.51), dbSNP rs199719452, ClinGen allele CA716203.

ClinVar aggregate classification (germline): Benign/Likely benign. Review status: criteria provided, multiple submitters, no conflicts (2 of 4 stars). 9 submissions from 9 submitters: Benign (4); Likely benign (5). Last evaluated 2026-09-01.

Conditions:
AHDC1-related intellectual disability - obstructive sleep apnea - mild dysmorphism syndrome. Also called: Xia-Gibbs syndrome. Identifiers: Orphanet 412069, MedGen C4014419, MONDO:0014358, OMIM 615829.
Inborn genetic diseases. Identifiers: MedGen C0950123, MeSH D030342.

Allele frequency attached by ClinVar (database versions not stated): 1000 Genomes Project 30x 0.00109; 1000 Genomes Project 0.00140; ESP Exome Variant Server 0.00370; gnomAD exomes 0.00383 and 0.00615; TOPMed 0.00398; gnomAD 0.00415 and 0.00426; ExAC 0.00420.
gnomAD v4.1: 9,344 of 1,593,968 alleles (0.59%); highest among the groups gnomAD compares: Non-Finnish European, 0.73%; 34 homozygotes.

Submissions (9):

CeGaT Center for Human Genetics Tuebingen
Classification: Likely benign. Last evaluated: 2026-09-01. Review status: criteria provided, single submitter. Criteria: CeGaT Center For Human Genetics Tuebingen Variant Classification Criteria Version 2. Collection method: clinical testing. Allele origin: germline. Affected: yes. Observed: 18 variant alleles.
Comment: AHDC1: BS2

Labcorp Genetics (formerly Invitae), Labcorp
Classification: Likely benign. Last evaluated: 2026-01-26. Review status: criteria provided, single submitter. Criteria: Invitae Variant Classification Sherloc (09022015). Collection method: clinical testing. Allele origin: germline.

Blueprint Genetics
Classification: Likely benign. Last evaluated: 2024-11-23. Review status: criteria provided, single submitter. Criteria: ACMG Guidelines, 2015. Collection method: clinical testing. Allele origin: germline.

Genome-Nilou Lab
Classification: Benign for AHDC1-related intellectual disability - obstructive sleep apnea - mild dysmorphism syndrome. Last evaluated: 2021-12-05. Review status: criteria provided, single submitter. Criteria: ACMG Guidelines, 2015. Collection method: clinical testing. Allele origin: germline. Affected: no.

Ambry Genetics
Classification: Likely benign for Inborn genetic diseases. Last evaluated: 2021-09-01. Review status: criteria provided, single submitter. Criteria: Ambry Variant Classification Scheme 2023. Collection method: clinical testing. Allele origin: germline.

Genetic Services Laboratory, University of Chicago
Classification: Benign. Last evaluated: 2019-08-30. Review status: criteria provided, single submitter. Criteria: ACMG Guidelines, 2015. Collection method: clinical testing. Allele origin: germline. Affected: no.

GeneDx
Classification: Benign. Last evaluated: 2018-12-03. Review status: criteria provided, single submitter. Criteria: GeneDx Variant Classification Process June 2021. Collection method: clinical testing. Allele origin: germline. Affected: yes.

Center for Pediatric Genomic Medicine, Children's Mercy Hospital and Clinics
Classification: Benign. Last evaluated: 2016-08-19. Review status: criteria provided, single submitter. Criteria: ACMG Guidelines, 2015. Collection method: clinical testing. Allele origin: germline.

Breakthrough Genomics
Classification: Likely benign. Review status: criteria provided, single submitter. Criteria: ACMG Guidelines, 2015. Collection method: not provided. Allele origin: germline. Inheritance: Autosomal dominant inheritance. Affected: yes.